The following is an entry in ClinVar:

NM_018344.6(SLC29A3):c.874G>C (p.Asp292His)

Gene: SLC29A3 (solute carrier family 29 member 3; plus strand). Cytogenetic location: 10q22.1.
Variant type: single nucleotide variant.
Coding change: c.874G>C on transcript NM_018344.6 (MANE Select); coding-DNA position 874, G replaced by C.
Protein change: p.Asp292His; replaces aspartic acid 292 with histidine.
Molecular consequence: missense variant. On other transcripts: 3 prime UTR variant (1), non-coding transcript variant (2).
Genome position (GRCh38, 1-based): chr10:71,362,054, G>C. VCF-style: chr10-71362054-G-C. GRCh37 (hg19) VCF-style: chr10-73121811-G-C.
Other names: c.*103G>C (NM_001174098.2); c.640G>C, p.Asp214His (NM_001363518.2); short protein forms D292H, D214H.
Identifiers: ClinVar variation 969066 (VCV000969066.10), dbSNP rs1847070217, ClinGen allele CA377114384.

ClinVar aggregate classification (germline): Uncertain significance (1 of 4 stars; one submission).

Conditions:
H syndrome. Also called: Histiocytosis with joint contractures and sensorineural deafness; Asrar Facharzt Haque syndrome; HISTIOCYTOSIS AND LYMPHADENOPATHY WITH OR WITHOUT CUTANEOUS, CARDIAC, AND/OR ENDOCRINE FEATURES, JOINT CONTRACTURES, AND/OR DEAFNESS; HYPERPIGMENTATION, CUTANEOUS, WITH HYPERTRICHOSIS, HEPATOSPLENOMEGALY, HEART ANOMALIES, AND HYPOGONADISM WITH OR WITHOUT HEARING LOSS; PIGMENTED HYPERTRICHOSIS WITH INSULIN-DEPENDENT DIABETES MELLITUS; ROSAI-DORFMAN DISEASE, FAMILIAL. Identifiers: Orphanet 168569, MedGen C1864445, MONDO:0011273, OMIM 602782.

Submission:

Labcorp Genetics (formerly Invitae), Labcorp
Classification: Uncertain significance for H syndrome. Last evaluated: 2022-02-03. Review status: criteria provided, single submitter. Criteria: Invitae Variant Classification Sherloc (09022015). Collection method: clinical testing. Allele origin: germline.
Comment: In summary, the available evidence is currently insufficient to determine the role of this variant in disease. Therefore, it has been classified as a Variant of Uncertain Significance. Algorithms developed to predict the effect of missense changes on protein structure and function (SIFT, PolyPhen-2, Align-GVGD) all suggest that this variant is likely to be tolerated. ClinVar contains an entry for this variant (Variation ID: 969066). This variant has not been reported in the literature in individuals affected with SLC29A3-related conditions. This variant is not present in population databases (gnomAD no frequency). This sequence change replaces aspartic acid, which is acidic and polar, with histidine, which is basic and polar, at codon 292 of the SLC29A3 protein (p.Asp292His).